The following is an entry in ClinVar:

NM_016203.4(PRKAG2):c.869A>T (p.Lys290Ile)

Gene: PRKAG2 (protein kinase AMP-activated non-catalytic subunit gamma 2; minus strand). Cytogenetic location: 7q36.1.
Variant type: single nucleotide variant.
Coding change: c.869A>T on transcript NM_016203.4 (MANE Select); coding-DNA position 869, A replaced by T.
Protein change: p.Lys290Ile; replaces lysine 290 with isoleucine.
Molecular consequence: missense variant.
Genome position (GRCh38, 1-based): chr7:151,576,448, T>A on the plus strand (A>T on the coding strand, the complement: PRKAG2 is on the minus strand). VCF-style: chr7-151576448-T-A. GRCh37 (hg19) VCF-style: chr7-151273534-T-A.
Other names: c.737A>T, p.Lys246Ile (NM_001040633.2); c.494A>T, p.Lys165Ile (NM_001304527.2); c.146A>T, p.Lys49Ile (NM_001304531.2, NM_024429.2); c.497A>T, p.Lys166Ile (NM_001363698.2); short protein forms K290I, K166I, K165I, K246I, K49I.
Identifiers: ClinVar variation 943169 (VCV000943169.9), dbSNP rs1808950153, ClinGen allele CA370072524.

ClinVar aggregate classification (germline): Pathogenic (1 of 4 stars; one submission).

Conditions:
Lethal congenital glycogen storage disease of heart. Also called: GLYCOGEN STORAGE DISEASE OF HEART; PHOSPHORYLASE KINASE DEFICIENCY OF HEART. Identifiers: Orphanet 439854, MedGen C1849813, MONDO:0009867, OMIM 261740.

Submission:

Labcorp Genetics (formerly Invitae), Labcorp
Classification: Pathogenic for Lethal congenital glycogen storage disease of heart. Last evaluated: 2022-03-18. Review status: criteria provided, single submitter. Criteria: Invitae Variant Classification Sherloc (09022015). Collection method: clinical testing. Allele origin: germline.
Comment: This variant is not present in population databases (gnomAD no frequency). This sequence change replaces lysine, which is basic and polar, with isoleucine, which is neutral and non-polar, at codon 290 of the PRKAG2 protein (p.Lys290Ile). This missense change has been observed in individual(s) with Wolff-Parkinson-White syndrome and ventricular hypertrophy (PMID: 28690312). It has also been observed to segregate with disease in related individuals. ClinVar contains an entry for this variant (Variation ID: 943169). Advanced modeling of protein sequence and biophysical properties (such as structural, functional, and spatial information, amino acid conservation, physicochemical variation, residue mobility, and thermodynamic stability) performed at Invitae indicates that this missense variant is expected to disrupt PRKAG2 protein function. For these reasons, this variant has been classified as Pathogenic.

Literature cited by the submitters: PubMed 28690312.